The following is an entry in ClinVar:

ClinVar aggregate classification (germline): Conflicting classifications of pathogenicity. Review status: criteria provided, conflicting classifications (1 of 4 stars). 3 submissions from 3 submitters: Uncertain significance (1); Likely benign (1). 1 of the submissions does not count toward it. Last evaluated 2025-10-22.

Conditions:
DNMBP-related disorder. Also called: DNMBP-related condition.

Allele frequency attached by ClinVar (database versions not stated): gnomAD exomes 0.00046; ExAC 0.00079; gnomAD 0.00165; TOPMed 0.00175; 1000 Genomes Project 0.00180; ESP Exome Variant Server 0.00215; 1000 Genomes Project 30x 0.00234.

Submissions (3):

Ambry Genetics
Classification: Uncertain significance. Last evaluated: 2025-10-22. Review status: criteria provided, single submitter. Criteria: Ambry Variant Classification Scheme 2023. Collection method: clinical testing. Allele origin: germline.

Blueprint Genetics
Classification: Likely benign. Last evaluated: 2024-11-25. Review status: criteria provided, single submitter. Criteria: ACMG Guidelines, 2015. Collection method: clinical testing. Allele origin: germline.

PreventionGenetics, part of Exact Sciences
Classification: Likely benign for DNMBP-related condition. Last evaluated: 2020-04-29. Review status: no assertion criteria provided. Collection method: clinical testing. Allele origin: germline. Not counted in ClinVar's aggregate classification.
Comment: This variant is classified as likely benign based on ACMG/AMP sequence variant interpretation guidelines (Richards et al. 2015 PMID: 25741868, with internal and published modifications).

NM_015221.4(DNMBP):c.3209T>C (p.Met1070Thr)

Gene: DNMBP (dynamin binding protein; minus strand). Cytogenetic location: 10q24.2.
Variant type: single nucleotide variant.
Coding change: c.3209T>C on transcript NM_015221.4 (MANE Select); coding-DNA position 3209, T replaced by C.
Protein change: p.Met1070Thr; replaces methionine 1070 with threonine.
Molecular consequence: missense variant.
Genome position (GRCh38, 1-based): chr10:99,888,901, A>G on the plus strand (T>C on the coding strand, the complement: DNMBP is on the minus strand). VCF-style: chr10-99888901-A-G. GRCh37 (hg19) VCF-style: chr10-101648658-A-G.
Other names: c.3209T>C (NM_015221.2); c.2105T>C, p.Met702Thr (NM_001318326.2); c.947T>C, p.Met316Thr (NM_001318327.2); short protein forms M1070T, M358T, M702T, M316T.
Identifiers: ClinVar variation 3045147 (VCV003045147.4), dbSNP rs138530279, ClinGen allele CA5644609.